The following is an entry in ClinVar:

ClinVar aggregate classification (germline): Uncertain significance. Review status: criteria provided, multiple submitters, no conflicts (2 of 4 stars). 2 submissions from 2 submitters: Uncertain significance (2). Last evaluated 2025-10-23.

Conditions:
Charcot-Marie-Tooth disease axonal type 2C (HMSN2C). Also called: Charcot-Marie-Tooth Disease Type 2, TRPV4-Related (CMT2C); CHARCOT-MARIE-TOOTH DISEASE, AXONAL, AUTOSOMAL DOMINANT, TYPE 2C; Charcot-Marie-Tooth Neuropathy Type 2C. Identifiers: Orphanet 99937, MedGen C1853710, MONDO:0011633, OMIM 606071.

Allele frequency attached by ClinVar (database versions not stated): TOPMed below 0.00001; gnomAD exomes 0.00001 and 0.00002.
gnomAD v4.1: 29 of 1,614,172 alleles (0.0018%); highest among the groups gnomAD compares: Non-Finnish European, 0.0022%; no homozygotes.

Submissions (2):

Labcorp Genetics (formerly Invitae), Labcorp
Classification: Uncertain significance for Charcot-Marie-Tooth disease axonal type 2C. Last evaluated: 2025-10-23. Review status: criteria provided, single submitter. Criteria: Invitae Variant Classification Sherloc (09022015). Collection method: clinical testing. Allele origin: germline.
Comment: This sequence change replaces arginine, which is basic and polar, with histidine, which is basic and polar, at codon 179 of the TRPV4 protein (p.Arg179His). This variant is present in population databases (no rsID available, gnomAD 0.0009%). This variant has not been reported in the literature in individuals affected with TRPV4-related conditions. ClinVar contains an entry for this variant (Variation ID: 1410121). Invitae Evidence Modeling of protein sequence and biophysical properties (such as structural, functional, and spatial information, amino acid conservation, physicochemical variation, residue mobility, and thermodynamic stability) has been performed for this missense variant. However, the output from this modeling did not meet the statistical confidence thresholds required to predict the impact of this variant on TRPV4 protein function. In summary, the available evidence is currently insufficient to determine the role of this variant in disease. Therefore, it has been classified as a Variant of Uncertain Significance.

Blueprint Genetics
Classification: Uncertain significance. Last evaluated: 2020-04-17. Review status: criteria provided, single submitter. Criteria: ACMG Guidelines, 2015. Collection method: clinical testing. Allele origin: germline.

NM_021625.5(TRPV4):c.536G>A (p.Arg179His)

Gene: TRPV4 (transient receptor potential cation channel subfamily V member 4; minus strand). Cytogenetic location: 12q24.11.
Variant type: single nucleotide variant.
Coding change: c.536G>A on transcript NM_021625.5 (MANE Select); coding-DNA position 536, G replaced by A.
Protein change: p.Arg179His; replaces arginine 179 with histidine.
Molecular consequence: missense variant.
Genome position (GRCh38, 1-based): chr12:109,808,319, C>T on the plus strand (G>A on the coding strand, the complement: TRPV4 is on the minus strand). VCF-style: chr12-109808319-C-T. GRCh37 (hg19) VCF-style: chr12-110246124-C-T.
Other names: c.536G>A, p.Arg179His (NM_001177428.2, NM_001177433.2, NM_147204.3); c.434G>A, p.Arg145His (NM_001177431.2); short protein forms R145H, R179H.
Identifiers: ClinVar variation 1410121 (VCV001410121.7), dbSNP rs1362478789, ClinGen allele CA386656947.
Genomic context (GRCh38, chr12:109,808,319, plus strand): 5'-GGCTGTCCCACTGGCTATGCCCATCTGGGTGGCTCACCTCGAAACTCCTCATCAGTTAGG[C>T]GTTTCTTGTGGGTCAGCAAGAATGGGAGCAGCCCGTCCAGGTCAGCAGTGGAGCCCCGGG-3'
Protein context (NP_067638.3, residues 169-189): LLPFLLTHKK[Arg179His]LTDEEFREPS